The following is an entry in ClinVar:

ClinVar aggregate classification (germline): Uncertain significance (1 of 4 stars; one submission).

Allele frequency attached by ClinVar (database versions not stated): gnomAD exomes 0.00001.
gnomAD v4.1: 10 of 1,613,934 alleles (0.00062%); highest among the groups gnomAD compares: Non-Finnish European, 0.00076%; no homozygotes.

Submission:

Labcorp Genetics (formerly Invitae), Labcorp
Classification: Uncertain significance. Last evaluated: 2023-10-09. Review status: criteria provided, single submitter. Criteria: Invitae Variant Classification Sherloc (09022015). Collection method: clinical testing. Allele origin: germline.
Comment: This sequence change replaces valine, which is neutral and non-polar, with leucine, which is neutral and non-polar, at codon 108 of the KIF22 protein (p.Val108Leu). This variant is not present in population databases (gnomAD no frequency). This variant has not been reported in the literature in individuals affected with KIF22-related conditions. Advanced modeling of protein sequence and biophysical properties (such as structural, functional, and spatial information, amino acid conservation, physicochemical variation, residue mobility, and thermodynamic stability) has been performed at Invitae for this missense variant, however the output from this modeling did not meet the statistical confidence thresholds required to predict the impact of this variant on KIF22 protein function. In summary, the available evidence is currently insufficient to determine the role of this variant in disease. Therefore, it has been classified as a Variant of Uncertain Significance.

NM_007317.3(KIF22):c.322G>T (p.Val108Leu)

Gene: KIF22 (kinesin family member 22; plus strand). Cytogenetic location: 16p11.2.
Variant type: single nucleotide variant.
Coding change: c.322G>T on transcript NM_007317.3 (MANE Select); coding-DNA position 322, G replaced by T.
Protein change: p.Val108Leu; replaces valine 108 with leucine.
Molecular consequence: missense variant.
Genome position (GRCh38, 1-based): chr16:29,798,429, G>T. VCF-style: chr16-29798429-G-T. GRCh37 (hg19) VCF-style: chr16-29809750-G-T.
Other names: c.118G>T, p.Val40Leu (NM_001256269.2, NM_001256270.1); short protein forms V108L, V40L.
Identifiers: ClinVar variation 2955119 (VCV002955119.3), dbSNP rs1899012134, ClinGen allele CA395450671.